The following is an entry in ClinVar:

ClinVar aggregate classification (germline): Uncertain significance (1 of 4 stars; one submission).

gnomAD v4.1: 3 of 1,612,598 alleles (0.00019%); highest among the groups gnomAD compares: African/African-American, 0.0013%; no homozygotes.

Submission:

Dasa
Classification: Uncertain significance. Last evaluated: 2025-06-17. Review status: criteria provided, single submitter. Criteria: DASA Assertion Criteria. Collection method: clinical testing. Allele origin: germline.
Comment: NM_001018115.3(FANCD2):c.455C>T (p.Thr152Ile) is a missense variant that results in the substitution of threonine with isoleucine. This variant is rare in population databases. Computational prediction algorithms are consistent with a benign effect. The currently available literature and clinical evidence are not sufficient to establish a definitive association between this variant and the reported condition. Therefore, this variant is classified as a variant of uncertain significance.

NM_001018115.3(FANCD2):c.455C>T (p.Thr152Ile)

Genes: FANCD2 (FA complementation group D2; plus strand), LOC107303338 (3p25 FANCD2 Alu-mediated recombination region; plus strand). Cytogenetic location: 3p25.3.
Variant type: single nucleotide variant.
Coding change: c.455C>T on transcript NM_001018115.3 (MANE Select); coding-DNA position 455, C replaced by T.
Protein change: p.Thr152Ile; replaces threonine 152 with isoleucine.
Molecular consequence: missense variant.
Genome position (GRCh38, 1-based): chr3:10,036,303, C>T. VCF-style: chr3-10036303-C-T. GRCh37 (hg19) VCF-style: chr3-10077987-C-T.
Other names: c.455C>T, p.Thr152Ile (NM_001319984.2, NM_001374253.1, NM_001374254.1 and 2 more transcripts); short protein forms T152I.
Identifiers: ClinVar variation 4885433 (VCV004885433.2).